The following is an entry in ClinVar:

ClinVar aggregate classification (germline): Conflicting classifications of pathogenicity. Review status: criteria provided, conflicting classifications (1 of 4 stars). 4 submissions from 4 submitters: Uncertain significance (3); Likely benign (1). Last evaluated 2024-11-27.

Conditions:
Hypertrophic cardiomyopathy 4. Also called: Familial hypertrophic cardiomyopathy 4. Identifiers: MedGen C1861862, MONDO:0007268, OMIM 115197.
Hypertrophic cardiomyopathy. Also called: HYPERTROPHIC MYOCARDIOPATHY. Identifiers: Orphanet 217569, MedGen C0007194, MeSH D002312, MONDO:0005045, HP:0001639.

Allele frequency attached by ClinVar (database versions not stated): gnomAD 0.00002 and 0.00003; TOPMed 0.00005; 1000 Genomes Project 30x 0.00031; 1000 Genomes Project 0.00040.
gnomAD v4.1: 36 of 1,613,966 alleles (0.0022%); highest among the groups gnomAD compares: East Asian, 0.071%; no homozygotes.

Submissions (4):

Blueprint Genetics
Classification: Likely benign. Last evaluated: 2024-11-27. Review status: criteria provided, single submitter. Criteria: ACMG Guidelines, 2015. Collection method: clinical testing. Allele origin: germline.

All of Us Research Program, National Institutes of Health
Classification: Uncertain significance for Hypertrophic cardiomyopathy. Last evaluated: 2024-09-23. Review status: criteria provided, single submitter. Criteria: ACMG Guidelines, 2015. Collection method: clinical testing. Allele origin: germline. Inheritance: Autosomal dominant inheritance. Observed: 10 variant alleles, 10 heterozygotes.
Comment: This missense variant replaces arginine with leucine at codon 835 of the MYBPC3 protein. Computational prediction suggests that this variant may not impact protein structure and function (internally defined REVEL score threshold <= 0.5, PMID: 27666373). To our knowledge, functional studies have not been reported for this variant. This variant has been reported in individuals affected with hypertrophic cardiomyopathy (PMID: 20624503, 20800588, 22112859, 22989827, 23711808, 27532257, 30606897; Al-shafai 2020, dissertation, Khalifa University). One of these individuals also carried a different pathogenic variant in the MYBPC3 gene that could explain the observed phenotype (PMID: 22112859, 22989827, 30606897). This variant has also been reported in an individual affected with dilated cardiomyopathy (PMID: 35284542). This variant has been identified in 14/280406 chromosomes in the general population by the Genome Aggregation Database (gnomAD). The available evidence is insufficient to determine the role of this variant in disease conclusively. Therefore, this variant is classified as a Variant of Uncertain Significance.

This study involves interpretation of variants in research participants for the purpose of population health screening. Participant phenotype was not available at the time of variant classification. Additional details can be found in publication PMID: 35346344, PMCID: PMC8962531

Mendelics
Classification: Uncertain significance for Hypertrophic cardiomyopathy 4. Last evaluated: 2019-05-28. Review status: criteria provided, single submitter. Criteria: Mendelics Assertion Criteria 2017. Collection method: clinical testing. Allele origin: unknown.

Genetics and Genomics Program, Sidra Medicine
Classification: Uncertain significance for Hypertrophic cardiomyopathy. Review status: criteria provided, single submitter. Criteria: ACMG Guidelines, 2015. Collection method: research. Allele origin: unknown. Affected: yes. Observed: 1 variant allele.

Literature cited by the submitters: PubMed 20624503 (cited by All of Us Research Program, National Institutes of Health); PubMed 20800588 (cited by All of Us Research Program, National Institutes of Health); PubMed 22112859 (cited by All of Us Research Program, National Institutes of Health); PubMed 22989827 (cited by All of Us Research Program, National Institutes of Health); PubMed 23711808 (cited by All of Us Research Program, National Institutes of Health); PubMed 27532257 (cited by All of Us Research Program, National Institutes of Health); PubMed 30606897 (cited by All of Us Research Program, National Institutes of Health); PubMed 35284542 (cited by All of Us Research Program, National Institutes of Health).

NM_000256.3(MYBPC3):c.2504G>T (p.Arg835Leu)

Gene: MYBPC3 (myosin binding protein C3; minus strand). Cytogenetic location: 11p11.2.
Variant type: single nucleotide variant.
Coding change: c.2504G>T on transcript NM_000256.3 (MANE Select); coding-DNA position 2504, G replaced by T.
Protein change: p.Arg835Leu; replaces arginine 835 with leucine.
Molecular consequence: missense variant.
Genome position (GRCh38, 1-based): chr11:47,337,489, C>A on the plus strand (G>T on the coding strand, the complement: MYBPC3 is on the minus strand). VCF-style: chr11-47337489-C-A. GRCh37 (hg19) VCF-style: chr11-47359040-C-A.
Other names: short protein forms R835L.
Identifiers: ClinVar variation 802674 (VCV000802674.6), dbSNP rs527305885, ClinGen allele CA078769.